The following is an entry in ClinVar:

ClinVar aggregate classification (germline): Uncertain significance (1 of 4 stars; one submission).

Submission:

CeGaT Center for Human Genetics Tuebingen
Classification: Uncertain significance. Last evaluated: 2024-01-01. Review status: criteria provided, single submitter. Criteria: CeGaT Center For Human Genetics Tuebingen Variant Classification Criteria Version 2. Collection method: clinical testing. Allele origin: germline. Affected: yes. Observed: 1 variant allele.
Comment: RNF170: PM2, PP3

NM_030954.4(RNF170):c.574G>A (p.Gly192Arg)

Gene: RNF170 (ring finger protein 170; minus strand). Cytogenetic location: 8p11.21.
Variant type: single nucleotide variant.
Coding change: c.574G>A on transcript NM_030954.4 (MANE Select); coding-DNA position 574, G replaced by A.
Protein change: p.Gly192Arg; replaces glycine 192 with arginine.
Molecular consequence: missense variant. On other transcripts: non-coding transcript variant (2), intron variant (1).
Genome position (GRCh38, 1-based): chr8:42,856,362, C>T on the plus strand (G>A on the coding strand, the complement: RNF170 is on the minus strand). VCF-style: chr8-42856362-C-T. GRCh37 (hg19) VCF-style: chr8-42711505-C-T.
Other names: c.574G>A, p.Gly192Arg (NM_001160223.2); c.322G>A, p.Gly108Arg (NM_001160225.2); c.397-5365G>A (NM_001160224.2); short protein forms G108R, G192R.
Identifiers: ClinVar variation 3026843 (VCV003026843.22), dbSNP rs1299707781, ClinGen allele CA371111318.